The following is an entry in ClinVar:

NC_000003.11:g.(?_10400355)_(10401827_?)del

Gene: ATP2B2 (ATPase plasma membrane Ca2+ transporting 2; minus strand). Cytogenetic location: 3p25.3.
Variant type: Deletion.
Identifiers: ClinVar variation 2424214 (VCV002424214.4).

ClinVar aggregate classification (germline): Uncertain significance (1 of 4 stars; one submission).

Submission:

Labcorp Genetics (formerly Invitae), Labcorp
Classification: Uncertain significance. Last evaluated: 2022-08-10. Review status: criteria provided, single submitter. Criteria: Invitae Variant Classification Sherloc (09022015). Collection method: clinical testing. Allele origin: germline.
Comment: In summary, the available evidence is currently insufficient to determine the role of this variant in disease. Therefore, it has been classified as a Variant of Uncertain Significance. Experimental studies and prediction algorithms are not available or were not evaluated, and the functional significance of this variant is currently unknown. This variant has not been reported in the literature in individuals affected with ATP2B2-related conditions. This variant is a gross deletion of the genomic region encompassing exon(s) 10-11 of the ATP2B2 gene. This variant would be expected to be in-frame, preserving the integrity of the reading frame.